The following is an entry in ClinVar:

ClinVar aggregate classification (germline): Uncertain significance (1 of 4 stars; one submission).

gnomAD v4.1: 12 of 1,613,014 alleles (0.00074%); highest among the groups gnomAD compares: Non-Finnish European, 0.001%; no homozygotes.

Submission:

Labcorp Genetics (formerly Invitae), Labcorp
Classification: Uncertain significance. Last evaluated: 2025-07-09. Review status: criteria provided, single submitter. Criteria: Invitae Variant Classification Sherloc (09022015). Collection method: clinical testing. Allele origin: germline.
Comment: This sequence change replaces arginine, which is basic and polar, with tryptophan, which is neutral and slightly polar, at codon 706 of the SKIV2L protein (p.Arg706Trp). This variant is present in population databases (no rsID available, gnomAD 0.0009%). This variant has not been reported in the literature in individuals affected with SKIV2L-related conditions. An algorithm developed to predict the effect of missense changes on protein structure and function (PolyPhen-2) suggests that this variant is likely to be disruptive. In summary, the available evidence is currently insufficient to determine the role of this variant in disease. Therefore, it has been classified as a Variant of Uncertain Significance.

NM_006929.5(SKIC2):c.2116C>T (p.Arg706Trp)

Gene: SKIC2 (SKI2 subunit of superkiller complex; plus strand). Cytogenetic location: 6p21.33.
Variant type: single nucleotide variant.
Coding change: c.2116C>T on transcript NM_006929.5 (MANE Select); coding-DNA position 2116, C replaced by T.
Protein change: p.Arg706Trp; replaces arginine 706 with tryptophan.
Molecular consequence: missense variant.
Genome position (GRCh38, 1-based): chr6:31,965,927, C>T. VCF-style: chr6-31965927-C-T. GRCh37 (hg19) VCF-style: chr6-31933704-C-T.
Other names: short protein forms R706W.
Identifiers: ClinVar variation 4780408 (VCV004780408.1).